The following is an entry in ClinVar:

ClinVar aggregate classification (germline): Pathogenic (1 of 4 stars; one submission).

Conditions:
Hereditary cancer-predisposing syndrome. Also called: Neoplastic Syndromes, Hereditary; Tumor predisposition; Hereditary Cancer Syndrome; Hereditary neoplastic syndrome. Identifiers: Orphanet 140162, MedGen C0027672, MeSH D009386, MONDO:0015356.

Submission:

Ambry Genetics
Classification: Pathogenic for Hereditary cancer-predisposing syndrome. Last evaluated: 2026-03-10. Review status: criteria provided, single submitter. Criteria: Ambry Variant Classification Scheme 2023. Collection method: clinical testing. Allele origin: germline.
Comment: The c.1835dupC pathogenic mutation, located in coding exon 4 of the MSH6 gene, results from a duplication of C at nucleotide position 1835, causing a translational frameshift with a predicted alternate stop codon (p.L613Ifs*27). This variant is considered to be rare based on population cohorts in the Genome Aggregation Database (gnomAD). This alteration is expected to result in loss of function by premature protein truncation or nonsense-mediated mRNA decay. As such, this alteration is interpreted as a disease-causing mutation.

NM_000179.3(MSH6):c.1835dup (p.Leu613fs)

Gene: MSH6 (mutS homolog 6; plus strand). Cytogenetic location: 2p16.3.
Variant type: Duplication.
Coding change: c.1835dup on transcript NM_000179.3 (MANE Select); coding-DNA position 1835, one base duplicated (C; older notation c.1835dupC).
Protein change: p.Leu613fs; shifts the reading frame from leucine 613.
Molecular consequence: frameshift variant. On other transcripts: non-coding transcript variant (4), intron variant (2).
Genome position (GRCh38, 1-based): chr2:47,799,818, C duplicated. VCF-style (leftmost placement, unchanged base first): chr2-47799817-T-TC. GRCh37 (hg19) VCF-style: chr2-48026956-T-TC.
Other names: c.1835dupC (NM_000179.2); c.1835dup, p.Leu613fs (NM_001406803.1, NM_001406808.1, NM_001406809.1 and 3 more transcripts); c.1757dup, p.Leu587fs (NM_001406804.1); c.1538dup, p.Leu514fs (NM_001406805.1, NM_001406818.1, NM_001406819.1 and 10 more transcripts); c.1310dup, p.Leu438fs (NM_001406806.1, NM_001406807.1, NM_001406799.1); c.929dup, p.Leu311fs (NM_001406811.1, NM_001406812.1, NM_001406814.1 and 6 more transcripts); c.1841dup, p.Leu615fs (NM_001406813.1); c.1667dup, p.Leu557fs (NM_001406826.1); and 4 more; short protein forms L615fs, L438fs, L483fs, L311fs, L514fs, L613fs, L645fs, L557fs.
Identifiers: ClinVar variation 4827454 (VCV004827454.1).